The following is an entry in ClinVar:

ClinVar aggregate classification (germline): Uncertain significance (1 of 4 stars; one submission).

Allele frequency attached by ClinVar (database versions not stated): gnomAD 0.00001; ExAC 0.00002; TOPMed 0.00002; ESP Exome Variant Server 0.00008.
gnomAD v4.1: 9 of 1,590,790 alleles (0.00057%); highest among the groups gnomAD compares: African/African-American, 0.0081%; no homozygotes.

Submission:

Women's Health and Genetics/Laboratory Corporation of America, LabCorp
Classification: Uncertain significance. Last evaluated: 2024-03-18. Review status: criteria provided, single submitter. Criteria: LabCorp Variant Classification Summary - May 2015. Collection method: clinical testing. Allele origin: germline.
Comment: Variant summary: SRCAP c.9581G>A (p.Arg3194His) results in a non-conservative amino acid change in the encoded protein sequence. Three of four in-silico tools predict a benign effect of the variant on protein function. The variant allele was found at a frequency of 2.4e-05 in 206344 control chromosomes. The available data on variant occurrences in the general population are insufficient to allow any conclusion about variant significance. To our knowledge, no occurrence of c.9581G>A in individuals affected with Floating-Harbor Syndrome and no experimental evidence demonstrating its impact on protein function have been reported. No submitters have cited clinical-significance assessments for this variant to ClinVar. Based on the evidence outlined above, the variant was classified as uncertain significance.

NM_006662.3(SRCAP):c.9581G>A (p.Arg3194His)

Gene: SRCAP (Snf2 related CREBBP activator protein; plus strand). Cytogenetic location: 16p11.2.
Variant type: single nucleotide variant.
Coding change: c.9581G>A on transcript NM_006662.3 (MANE Select); coding-DNA position 9581, G replaced by A.
Protein change: p.Arg3194His; replaces arginine 3194 with histidine.
Molecular consequence: missense variant.
Genome position (GRCh38, 1-based): chr16:30,739,621, G>A. VCF-style: chr16-30739621-G-A. GRCh37 (hg19) VCF-style: chr16-30750942-G-A.
Other names: short protein forms R3194H.
Identifiers: ClinVar variation 3233908 (VCV003233908.2), dbSNP rs368382734, ClinGen allele CA8012957.